The following is an entry in ClinVar:

ClinVar aggregate classification (germline): Uncertain significance. Review status: criteria provided, multiple submitters, no conflicts (2 of 4 stars). 2 submissions from 2 submitters: Uncertain significance (2). Last evaluated 2025-07-03.

Conditions:
Inborn genetic diseases. Identifiers: MedGen C0950123, MeSH D030342.

Allele frequency attached by ClinVar (database versions not stated): gnomAD exomes below 0.00001; gnomAD 0.00001; TOPMed 0.00001.
gnomAD v4.1: 6 of 1,537,138 alleles (0.00039%); highest among the groups gnomAD compares: Non-Finnish European, 0.00052%; no homozygotes.

Submissions (2):

Ambry Genetics
Classification: Uncertain significance for Inborn genetic diseases. Last evaluated: 2025-07-03. Review status: criteria provided, single submitter. Criteria: Ambry Variant Classification Scheme 2023. Collection method: clinical testing. Allele origin: germline.

GeneDx
Classification: Uncertain significance. Last evaluated: 2022-11-01. Review status: criteria provided, single submitter. Criteria: GeneDx Variant Classification Process June 2021. Collection method: clinical testing. Allele origin: germline. Affected: yes.
Comment: Not observed at significant frequency in large population cohorts (gnomAD); In silico analysis supports that this missense variant has a deleterious effect on protein structure/function; Has not been previously published as pathogenic or benign to our knowledge

NM_001378183.1(PIEZO2):c.2077G>A (p.Gly693Ser)

Gene: PIEZO2 (piezo type mechanosensitive ion channel component 2; minus strand). Cytogenetic location: 18p11.22.
Variant type: single nucleotide variant.
Coding change: c.2077G>A on transcript NM_001378183.1 (MANE Select); coding-DNA position 2077, G replaced by A.
Protein change: p.Gly693Ser; replaces glycine 693 with serine.
Molecular consequence: missense variant.
Genome position (GRCh38, 1-based): chr18:10,789,171, C>T on the plus strand (G>A on the coding strand, the complement: PIEZO2 is on the minus strand). VCF-style: chr18-10789171-C-T. GRCh37 (hg19) VCF-style: chr18-10789169-C-T.
Other names: c.2077G>A, p.Gly693Ser (NM_001410871.1, NM_022068.4); short protein forms G693S.
Identifiers: ClinVar variation 2500506 (VCV002500506.2), dbSNP rs1297078519, ClinGen allele CA401921686.
Genomic context (GRCh38, chr18:10,789,171, plus strand): 5'-CCATGTAGATGATTTTGTACATTACGATTTTACCCTCGAAGCTGACGAAGAAGAACATGC[C>T]TCCGCAGACGTAGATCCAGTACTTGATGAACATGGCCACCACCAGATTGCCCAGGACTTT-3'
Protein context (NP_001365112.1, residues 683-703): FIKYWIYVCG[Gly693Ser]MFFFVSFEGK